The following is an entry in ClinVar:

ClinVar aggregate classification (germline): Likely benign (0 of 4 stars; one submission).

Conditions:
NDUFA12-related disorder. Also called: NDUFA12-related condition.

Allele frequency attached by ClinVar (database versions not stated): ExAC 0.00001; gnomAD 0.00001; gnomAD exomes 0.00001; TOPMed 0.00001.
gnomAD v4.1: 8 of 1,613,928 alleles (0.0005%); highest among the groups gnomAD compares: East Asian, 0.0045%; no homozygotes.

Submission:

PreventionGenetics, part of Exact Sciences
Classification: Likely benign for NDUFA12-related condition. Last evaluated: 2023-10-27. Review status: no assertion criteria provided. Collection method: clinical testing. Allele origin: germline.
Comment: This variant is classified as likely benign based on ACMG/AMP sequence variant interpretation guidelines (Richards et al. 2015 PMID: 25741868, with internal and published modifications).

NM_018838.5(NDUFA12):c.111A>G (p.Thr37=)

Gene: NDUFA12 (NADH:ubiquinone oxidoreductase subunit A12; minus strand). Cytogenetic location: 12q22.
Variant type: single nucleotide variant.
Coding change: c.111A>G on transcript NM_018838.5 (MANE Select); coding-DNA position 111, A replaced by G.
Protein change: p.Thr37=; no amino-acid change (threonine 37 retained).
Molecular consequence: synonymous variant.
Genome position (GRCh38, 1-based): chr12:95,002,797, T>C on the plus strand (A>G on the coding strand, the complement: NDUFA12 is on the minus strand). VCF-style: chr12-95002797-T-C. GRCh37 (hg19) VCF-style: chr12-95396573-T-C.
Other names: c.111A>G, p.Thr37= (NM_001258338.2).
Identifiers: ClinVar variation 3058471 (VCV003058471.2), dbSNP rs778152259, ClinGen allele CA6722618.